The following is an entry in ClinVar:

ClinVar aggregate classification (germline): Uncertain significance (1 of 4 stars; one submission).

Conditions:
Long QT syndrome (LQTS). Identifiers: MedGen C0023976, MeSH D008133, MONDO:0002442. Disease mechanism: loss of function. Inheritance: Various modes of inheritance.

Submission:

Labcorp Genetics (formerly Invitae), Labcorp
Classification: Uncertain significance for Long QT syndrome. Last evaluated: 2023-09-01. Review status: criteria provided, single submitter. Criteria: Invitae Variant Classification Sherloc (09022015). Collection method: clinical testing. Allele origin: germline.
Comment: This sequence change replaces leucine, which is neutral and non-polar, with proline, which is neutral and non-polar, at codon 862 of the CACNA1C protein (p.Leu862Pro). This variant is not present in population databases (gnomAD no frequency). This variant has not been reported in the literature in individuals affected with CACNA1C-related conditions. Advanced modeling of protein sequence and biophysical properties (such as structural, functional, and spatial information, amino acid conservation, physicochemical variation, residue mobility, and thermodynamic stability) performed at Invitae indicates that this missense variant is not expected to disrupt CACNA1C protein function. In summary, the available evidence is currently insufficient to determine the role of this variant in disease. Therefore, it has been classified as a Variant of Uncertain Significance.

NM_000719.7(CACNA1C):c.2585T>C (p.Leu862Pro)

Gene: CACNA1C (calcium voltage-gated channel subunit alpha1 C; plus strand). Cytogenetic location: 12p13.33.
Variant type: single nucleotide variant.
Coding change: c.2585T>C on transcript NM_000719.7 (MANE Select); coding-DNA position 2585, T replaced by C.
Protein change: p.Leu862Pro; replaces leucine 862 with proline.
Molecular consequence: missense variant.
Genome position (GRCh38, 1-based): chr12:2,593,267, T>C. VCF-style: chr12-2593267-T-C. GRCh37 (hg19) VCF-style: chr12-2702433-T-C.
Other names: c.2585T>C, p.Leu862Pro (NM_001129827.2, NM_001129829.2, NM_001129830.3 and 18 more transcripts); c.2576T>C, p.Leu859Pro (NM_001129844.2); short protein forms L859P, L862P.
Identifiers: ClinVar variation 2917132 (VCV002917132.3), dbSNP rs2516456831, ClinGen allele CA383372171.